The following is an entry in ClinVar:

ClinVar aggregate classification (germline): Uncertain significance (1 of 4 stars; one submission).

Submission:

Quest Diagnostics Nichols Institute San Juan Capistrano
Classification: Uncertain significance. Last evaluated: 2024-05-21. Review status: criteria provided, single submitter. Criteria: Quest Diagnostics criteria. Collection method: clinical testing. Allele origin: unknown.
Comment: The HBA1 c.-9G>C variant (also known as CAP +29 (G>C)) has been reported in the published literature in an individual affected with hypochromic and microcytic anemia who also had another variant in an alpha globin gene (PMID: 19657838 (2009)). The variant was also identified in other individuals/families who carried other variants in the alpha (HBA1/2) and beta (HBB) globin genes, as well as in the SPTB gene, however, the available information is limited (PMIDs: 38556258 (2024), 38708170 (2024)). The frequency of this variant in the general population, 0.0021 (64/29848 chromosomes (Genome Aggregation Database)), is uninformative in the assessment of its pathogenicity. Analysis of this variant using software algorithms for the prediction of the effect of nucleotide changes on splicing yielded predictions that this variant does not affect HBA1 mRNA splicing. Based on the available information, we are unable to determine the clinical significance of this variant.

Literature cited by the submitters: PubMed 19657838; PubMed 36861191; PubMed 38556258; PubMed 38236368; PubMed 38708170.

NM_000558.5(HBA1):c.-9G>C

Genes: HBA1 (hemoglobin subunit alpha 1; plus strand), LOC106804613 (hemoglobin subunit alpha 1 recombination region; plus strand). Cytogenetic location: 16p13.3.
Variant type: single nucleotide variant.
Coding change: c.-9G>C on transcript NM_000558.5 (MANE Select); 9 bases upstream of the start codon, G replaced by C.
Molecular consequence: 5 prime UTR variant.
Genome position (GRCh38, 1-based): chr16:176,708, G>C. VCF-style: chr16-176708-G-C. GRCh37 (hg19) VCF-style: chr16-226707-G-C.
Identifiers: ClinVar variation 3572197 (VCV003572197.1).
Genomic context (GRCh38, chr16:176,708, plus strand): 5'-AAGCATAAACCCTGGCGCGCTCGCGGCCCGGCACTCTTCTGGTCCCCACAGACTCAGAGA[G>C]AACCCACCATGGTGCTGTCTCCTGCCGACAAGACCAACGTCAAGGCCGCCTGGGGTAAGG-3'